The following is an entry in ClinVar:

NM_000093.5(COL5A1):c.4369C>T (p.Pro1457Ser)

Gene: COL5A1 (collagen type V alpha 1 chain; plus strand). Cytogenetic location: 9q34.3.
Variant type: single nucleotide variant.
Coding change: c.4369C>T on transcript NM_000093.5 (MANE Select); coding-DNA position 4369, C replaced by T.
Protein change: p.Pro1457Ser; replaces proline 1457 with serine.
Molecular consequence: missense variant.
Genome position (GRCh38, 1-based): chr9:134,818,878, C>T. VCF-style: chr9-134818878-C-T. GRCh37 (hg19) VCF-style: chr9-137710724-C-T.
Other names: c.4369C>T, p.Pro1457Ser (NM_001278074.1); c.4369C>T (NM_000093.3); short protein forms P1457S.
Identifiers: ClinVar variation 2908401 (VCV002908401.4), dbSNP rs2490850936, ClinGen allele CA375457415.

ClinVar aggregate classification (germline): Uncertain significance. Review status: criteria provided, multiple submitters, no conflicts (2 of 4 stars). 2 submissions from 2 submitters: Uncertain significance (2). Last evaluated 2024-09-20.

Conditions:
Ehlers-Danlos syndrome, classic type, 1 (EDSCL1). Also called: EDS I; EHLERS-DANLOS SYNDROME, GRAVIS TYPE; EHLERS-DANLOS SYNDROME, SEVERE CLASSIC TYPE; Ehlers-Danlos syndrome, type 1; Ehlers-Danlos Syndrome, Classic Type, COL5A1-Related. Identifiers: MedGen C0268335, MONDO:0019567, OMIM 130000.

Submissions (2):

GeneDx
Classification: Uncertain significance. Last evaluated: 2024-09-20. Review status: criteria provided, single submitter. Criteria: GeneDx Variant Classification Process June 2021. Collection method: clinical testing. Allele origin: germline. Affected: yes.
Comment: Not observed at significant frequency in large population cohorts (gnomAD); Occurs in the triple helical domain at the X position in the canonical Gly-X-Y repeat; although this variant may have an effect on normal protein folding and function, missense substitution at the X position is not a common mechanism of disease (PMID: 22696272; HGMD); In silico analysis indicates that this missense variant does not alter protein structure/function; Has not been previously published as pathogenic or benign to our knowledge; This variant is associated with the following publications: (PMID: 22696272)

Labcorp Genetics (formerly Invitae), Labcorp
Classification: Uncertain significance for Ehlers-Danlos syndrome, classic type, 1. Last evaluated: 2023-12-31. Review status: criteria provided, single submitter. Criteria: Invitae Variant Classification Sherloc (09022015). Collection method: clinical testing. Allele origin: germline.
Comment: This sequence change replaces proline, which is neutral and non-polar, with serine, which is neutral and polar, at codon 1457 of the COL5A1 protein (p.Pro1457Ser). This variant is not present in population databases (gnomAD no frequency). This variant has not been reported in the literature in individuals affected with COL5A1-related conditions. Advanced modeling of protein sequence and biophysical properties (such as structural, functional, and spatial information, amino acid conservation, physicochemical variation, residue mobility, and thermodynamic stability) performed at Invitae indicates that this missense variant is not expected to disrupt COL5A1 protein function with a negative predictive value of 95%. In summary, the available evidence is currently insufficient to determine the role of this variant in disease. Therefore, it has been classified as a Variant of Uncertain Significance.